The following is an entry in ClinVar:

ClinVar aggregate classification (germline): Uncertain significance (1 of 4 stars; one submission).

Conditions:
Hereditary cancer-predisposing syndrome. Also called: Neoplastic Syndromes, Hereditary; Tumor predisposition; Hereditary neoplastic syndrome; Hereditary Cancer Syndrome. Identifiers: Orphanet 140162, MedGen C0027672, MeSH D009386, MONDO:0015356.
Cardiovascular phenotype. Identifiers: MedGen CN230736.

Submission:

Ambry Genetics
Classification: Uncertain significance for Cardiovascular phenotype; Hereditary cancer-predisposing syndrome. Last evaluated: 2023-05-27. Review status: criteria provided, single submitter. Criteria: Ambry Variant Classification Scheme 2023. Collection method: clinical testing. Allele origin: germline.
Comment: The p.H121N variant (also known as c.361C>A), located in coding exon 4 of the LZTR1 gene, results from a C to A substitution at nucleotide position 361. The histidine at codon 121 is replaced by asparagine, an amino acid with similar properties. This amino acid position is conserved. In addition, the in silico prediction for this alteration is inconclusive. Since supporting evidence is limited at this time, the clinical significance of this alteration remains unclear.

NM_006767.4(LZTR1):c.361C>A (p.His121Asn)

Gene: LZTR1 (leucine zipper like post translational regulator 1; plus strand). Cytogenetic location: 22q11.21.
Variant type: single nucleotide variant.
Coding change: c.361C>A on transcript NM_006767.4 (MANE Select); coding-DNA position 361, C replaced by A.
Protein change: p.His121Asn; replaces histidine 121 with asparagine.
Molecular consequence: missense variant.
Genome position (GRCh38, 1-based): chr22:20,987,544, C>A. VCF-style: chr22-20987544-C-A. GRCh37 (hg19) VCF-style: chr22-21341833-C-A.
Other names: short protein forms H121N.
Identifiers: ClinVar variation 3238274 (VCV003238274.1), dbSNP rs1569154492.
Genomic context (GRCh38, chr22:20,987,544, plus strand): 5'-CACCCCTGTGCCCACCCCAGGGCCTTTACCACTGGGACCCCACCGGCCCCCCGTTACCAC[C>A]ACTCGGCCGTCGTCTATGGGAGCAGCATGTTTGTCTTTGGTAAGCAGCCTCTTGCCTCCC-3'
Protein context (NP_006758.2, residues 111-131): TGTPPAPRYH[His121Asn]SAVVYGSSMF